The following is an entry in ClinVar:

NM_001270.4(CHD1):c.3888dup (p.Pro1297fs)

Gene: CHD1 (chromodomain helicase DNA binding protein 1; minus strand). Cytogenetic location: 5q15.
Variant type: Duplication.
Coding change: c.3888dup on transcript NM_001270.4 (MANE Select); coding-DNA position 3888, one base duplicated (A; older notation c.3888dupA).
Protein change: p.Pro1297fs; shifts the reading frame from proline 1297.
Molecular consequence: frameshift variant. On other transcripts: non-coding transcript variant (2).
Genome position (GRCh38, 1-based): chr5:98,870,777, T duplicated on the plus strand (A on the coding strand, the reverse complement: CHD1 is on the minus strand); the first of 6 consecutive T bases (chr5:98,870,777-98,870,782); duplicating any one gives the same sequence. VCF-style (leftmost placement, unchanged base first): chr5-98870776-G-GT. GRCh37 (hg19) VCF-style: chr5-98206480-G-GT.
Other names: c.3888dup, p.Pro1297fs (NM_001364113.3, NM_001376194.2); short protein forms P1297fs.
Identifiers: ClinVar variation 4088180 (VCV004088180.1).
Genomic context (GRCh38, chr5:98,870,776, plus strand): 5'-GATCTCTACTAAGTAATTTGATGAGGTAGTCTGCACGGGTCTGCAACTGTTTTGCTTGTG[G>GT]TTTTTTATCGGGATCATCTGGAAGAATCTGAAAAAGCAATAAATTTTTTCAGATTGTCTT-3'

ClinVar aggregate classification (germline): Pathogenic (1 of 4 stars; one submission).

Submission:

GeneDx
Classification: Pathogenic. Last evaluated: 2025-03-26. Review status: criteria provided, single submitter. Criteria: GeneDx Variant Classification Process June 2021. Collection method: clinical testing. Allele origin: germline. Affected: yes.
Comment: Frameshift variant predicted to result in protein truncation or nonsense mediated decay in a gene or region of a gene for which loss of function is not a well-established mechanism of disease; Not observed at significant frequency in large population cohorts (gnomAD); Has not been previously published as pathogenic or benign to our knowledge